The following is an entry in ClinVar:

NM_001278116.2(L1CAM):c.3579A>G (p.Pro1193=)

Gene: L1CAM (L1 cell adhesion molecule; minus strand). Cytogenetic location: Xq28.
Variant type: single nucleotide variant.
Coding change: c.3579A>G on transcript NM_001278116.2 (MANE Select); coding-DNA position 3579, A replaced by G.
Protein change: p.Pro1193=; no amino-acid change (proline 1193 retained).
Molecular consequence: synonymous variant.
Genome position (GRCh38, 1-based): chrX:153,862,858, T>C on the plus strand (A>G on the coding strand, the complement: L1CAM is on the minus strand). VCF-style: chrX-153862858-T-C. GRCh37 (hg19) VCF-style: chrX-153128313-T-C.
Other names: c.3579A>G, p.Pro1193= (NM_000425.5); c.3552A>G, p.Pro1184= (NM_001143963.2); c.3567A>G, p.Pro1189= (NM_024003.3).
Identifiers: ClinVar variation 4985340 (VCV004985340.1).

ClinVar aggregate classification (germline): Likely benign (1 of 4 stars; one submission).

Conditions:
L1CAM-related disorder. Also called: L1CAM-related condition.

gnomAD v4.1: 1 of 1,211,161 alleles (0.000083%); highest among the groups gnomAD compares: African/African-American, 0.0017%; no homozygotes.

Submission:

PreventionGenetics, part of Exact Sciences
Classification: Likely benign for L1CAM-related condition. Last evaluated: 2026-05-11. Review status: criteria provided, single submitter. Criteria: ACMG Guidelines, 2015. Collection method: clinical testing. Allele origin: germline.
Comment: This variant is classified as likely benign based on ACMG/AMP sequence variant interpretation guidelines (Richards et al. 2015 PMID: 25741868, with internal and published modifications).